The following is an entry in ClinVar:

NM_006231.4(POLE):c.5935A>C (p.Asn1979His)

Gene: POLE (DNA polymerase epsilon, catalytic subunit; minus strand). Cytogenetic location: 12q24.33.
Variant type: single nucleotide variant.
Coding change: c.5935A>C on transcript NM_006231.4 (MANE Select); coding-DNA position 5935, A replaced by C.
Protein change: p.Asn1979His; replaces asparagine 1979 with histidine.
Molecular consequence: missense variant.
Genome position (GRCh38, 1-based): chr12:132,634,255, T>G on the plus strand (A>C on the coding strand, the complement: POLE is on the minus strand). VCF-style: chr12-132634255-T-G. GRCh37 (hg19) VCF-style: chr12-133210841-T-G.
Other names: short protein forms N1979H.
Identifiers: ClinVar variation 3624886 (VCV003624886.2).
Genomic context (GRCh38, chr12:132,634,255, plus strand): 5'-TCATGAGGAAGTAGTTCTGGCAGGAGGCTGCCTGTGGCAAAAACTGCAAAATGTTCCAGT[T>G]GTTTTCCAGTAAATCCTCCACGTTGGATTCCTCCGCCTCTTCCTCCTCCTCCCCATCTCT-3'
Protein context (NP_006222.2, residues 1969-1989): ESNVEDLLEN[Asn1979His]WNILQFLPQA

ClinVar aggregate classification (germline): Uncertain significance (1 of 4 stars; one submission).

Submission:

Labcorp Genetics (formerly Invitae), Labcorp
Classification: Uncertain significance. Last evaluated: 2024-04-07. Review status: criteria provided, single submitter. Criteria: Invitae Variant Classification Sherloc (09022015). Collection method: clinical testing. Allele origin: germline.
Comment: This sequence change replaces asparagine, which is neutral and polar, with histidine, which is basic and polar, at codon 1979 of the POLE protein (p.Asn1979His). This variant is not present in population databases (gnomAD no frequency). This variant has not been reported in the literature in individuals affected with POLE-related conditions. Advanced modeling of protein sequence and biophysical properties (such as structural, functional, and spatial information, amino acid conservation, physicochemical variation, residue mobility, and thermodynamic stability) performed at Invitae indicates that this missense variant is not expected to disrupt POLE protein function with a negative predictive value of 80%. In summary, the available evidence is currently insufficient to determine the role of this variant in disease. Therefore, it has been classified as a Variant of Uncertain Significance.